The following is an entry in ClinVar:

ClinVar aggregate classification (germline): Uncertain significance (1 of 4 stars; one submission).

Conditions:
SLCO2A1-related disorder. Also called: SLCO2A1-related condition.

gnomAD v4.1: 2 of 152,162 alleles (0.0013%); highest among the groups gnomAD compares: Non-Finnish European, 0.0029%; no homozygotes.

Submission:

PreventionGenetics, part of Exact Sciences
Classification: Uncertain significance for SLCO2A1-related condition. Last evaluated: 2025-11-15. Review status: criteria provided, single submitter. Criteria: ACMG Guidelines, 2015. Collection method: clinical testing. Allele origin: germline.
Comment: The SLCO2A1 c.397+581C>G variant is predicted to interfere with splicing. This variant is not predicted to significantly impact splicing based on available splicing prediction programs; however, sensitivity may be reduced >50bp from exons (Splice AI, Jaganathan et al. 2019. PubMed ID: 30661751). To our knowledge, this variant has not been reported in the literature. This variant is reported in 0.0065% of alleles in individuals of European (Non-Finnish) descent in gnomAD. At this time, the clinical significance of this variant is uncertain due to the absence of conclusive functional and genetic evidence.

NM_005630.3(SLCO2A1):c.397+581C>G

Gene: SLCO2A1 (solute carrier organic anion transporter family member 2A1; minus strand). Cytogenetic location: 3q22.1.
Variant type: single nucleotide variant.
Coding change: c.397+581C>G on transcript NM_005630.3 (MANE Select); 581 bases into the intron after coding-DNA position 397, C replaced by G.
Molecular consequence: intron variant.
Genome position (GRCh38, 1-based): chr3:133,973,082, G>C on the plus strand (C>G on the coding strand, the complement: SLCO2A1 is on the minus strand). VCF-style: chr3-133973082-G-C. GRCh37 (hg19) VCF-style: chr3-133691926-G-C.
Identifiers: ClinVar variation 4992128 (VCV004992128.1).
Genomic context (GRCh38, chr3:133,973,082, plus strand): 5'-GGGGAGGTTAAAGAGAGGTAGAACAAAAATATGGGTCAACCATAAGTGGAAGATGAGAGA[G>C]GATGGTGGGCAAAAAAGCATCTATGATCCTTATTTTGCTCTCTTGGAGAATAGAGACATT-3'